The following is an entry in ClinVar:

NM_181426.2(CCDC39):c.29A>T (p.His10Leu)

Gene: CCDC39 (coiled-coil domain 39 molecular ruler complex subunit; minus strand). Cytogenetic location: 3q26.33.
Variant type: single nucleotide variant.
Coding change: c.29A>T on transcript NM_181426.2 (MANE Select); coding-DNA position 29, A replaced by T.
Protein change: p.His10Leu; replaces histidine 10 with leucine.
Molecular consequence: missense variant.
Genome position (GRCh38, 1-based): chr3:180,679,352, T>A on the plus strand (A>T on the coding strand, the complement: CCDC39 is on the minus strand). VCF-style: chr3-180679352-T-A. GRCh37 (hg19) VCF-style: chr3-180397140-T-A.
Other names: short protein forms H10L.
Identifiers: ClinVar variation 1919933 (VCV001919933.5), dbSNP rs752194812, ClinGen allele CA355306529.
Genomic context (GRCh38, chr3:180,679,352, plus strand): 5'-TGATCTTCCAGTAGCTTGTTCTCCTCGTTCGCCACCGGGATGGCGAACCCATCCTCCCAG[T>A]GCAGCTCAGCCAGGAATTCGCTACTCATGACTGCAAACGGATAGAGAAGATACAGAGCAA-3'
Protein context (NP_852091.1, residues 1-20): MSSEFLAEL[His10Leu]WEDGFAIPVA

ClinVar aggregate classification (germline): Uncertain significance (1 of 4 stars; one submission).

Conditions:
Primary ciliary dyskinesia. Also called: Ciliary dyskinesia. Identifiers: Orphanet 244, MedGen C0008780, MONDO:0016575, HP:0012265.

gnomAD v4.1: 2 of 1,613,928 alleles (0.00012%); no homozygotes.

Submission:

Labcorp Genetics (formerly Invitae), Labcorp
Classification: Uncertain significance for Primary ciliary dyskinesia. Last evaluated: 2022-03-27. Review status: criteria provided, single submitter. Criteria: Invitae Variant Classification Sherloc (09022015). Collection method: clinical testing. Allele origin: germline.
Comment: This sequence change replaces histidine, which is basic and polar, with leucine, which is neutral and non-polar, at codon 10 of the CCDC39 protein (p.His10Leu). This variant has not been reported in the literature in individuals affected with CCDC39-related conditions. This variant is present in population databases (no rsID available, gnomAD 0.004%). Algorithms developed to predict the effect of missense changes on protein structure and function (SIFT, PolyPhen-2, Align-GVGD) all suggest that this variant is likely to be tolerated. In summary, the available evidence is currently insufficient to determine the role of this variant in disease. Therefore, it has been classified as a Variant of Uncertain Significance.